The following is an entry in ClinVar:

NM_006073.4(TRDN):c.611-19A>T

Gene: TRDN (triadin; minus strand). Cytogenetic location: 6q22.31.
Variant type: single nucleotide variant.
Coding change: c.611-19A>T on transcript NM_006073.4 (MANE Select); 19 bases into the intron before coding-DNA position 611, A replaced by T.
Molecular consequence: intron variant.
Genome position (GRCh38, 1-based): chr6:123,503,920, T>A on the plus strand (A>T on the coding strand, the complement: TRDN is on the minus strand). VCF-style: chr6-123503920-T-A. GRCh37 (hg19) VCF-style: chr6-123825065-T-A.
Other names: c.611-19A>T (NM_001251987.2, NM_001256020.2, NM_001256021.2).
Identifiers: ClinVar variation 506596 (VCV000506596.13), dbSNP rs142018848, ClinGen allele CA3984320.

ClinVar aggregate classification (germline): Likely benign. Review status: criteria provided, multiple submitters, no conflicts (2 of 4 stars). 4 submissions from 4 submitters: Likely benign (4). Last evaluated 2026-01-25.

Conditions:
Catecholaminergic polymorphic ventricular tachycardia 1. Also called: VENTRICULAR TACHYCARDIA, CATECHOLAMINERGIC POLYMORPHIC, 1, WITH OR WITHOUT ATRIAL DYSFUNCTION AND/OR DILATED CARDIOMYOPATHY; RYR2-Related Catecholaminergic Polymorphic Ventricular Tachycardia; VENTRICULAR TACHYCARDIA, STRESS-INDUCED POLYMORPHIC 1. Identifiers: Orphanet 3286, MedGen C1631597, MONDO:0011484, OMIM 604772.
Catecholaminergic polymorphic ventricular tachycardia 5 (CARDAR). Also called: Ventricular tachycardia, catecholaminergic polymorphic, 5, with or without muscle weakness; CARDIAC ARRHYTHMIA SYNDROME, WITH OR WITHOUT SKELETAL MUSCLE WEAKNESS. Identifiers: Orphanet 3286, MedGen C3809536, MONDO:0014191, OMIM 615441.

Allele frequency attached by ClinVar (database versions not stated): gnomAD exomes 0.00013 and 0.00006; ExAC 0.00029; gnomAD 0.00043 and 0.00044; TOPMed 0.00058; 1000 Genomes Project 30x 0.00062; ESP Exome Variant Server 0.00078; 1000 Genomes Project 0.00080.
gnomAD v4.1: 145 of 1,526,250 alleles (0.0095%); highest among the groups gnomAD compares: African/African-American, 0.18%; no homozygotes.

Submissions (4):

Labcorp Genetics (formerly Invitae), Labcorp
Classification: Likely benign for Catecholaminergic polymorphic ventricular tachycardia 1. Last evaluated: 2026-01-25. Review status: criteria provided, single submitter. Criteria: Invitae Variant Classification Sherloc (09022015). Collection method: clinical testing. Allele origin: germline.

Women's Health and Genetics/Laboratory Corporation of America, LabCorp
Classification: Likely benign. Last evaluated: 2025-04-22. Review status: criteria provided, single submitter. Criteria: LabCorp Variant Classification Summary - May 2015. Collection method: clinical testing. Allele origin: germline.

Fulgent Genetics
Classification: Likely benign for Catecholaminergic polymorphic ventricular tachycardia 1; Catecholaminergic polymorphic ventricular tachycardia 5. Last evaluated: 2021-08-10. Review status: criteria provided, single submitter. Criteria: ACMG Guidelines, 2015. Collection method: clinical testing. Allele origin: unknown.

GeneDx
Classification: Likely benign. Last evaluated: 2017-09-14. Review status: criteria provided, single submitter. Criteria: GeneDx Variant Classification (06012015). Collection method: clinical testing. Allele origin: germline. Affected: yes.
Comment: This variant is considered likely benign or benign based on one or more of the following criteria: it is a conservative change, it occurs at a poorly conserved position in the protein, it is predicted to be benign by multiple in silico algorithms, and/or has population frequency not consistent with disease.